The following is an entry in ClinVar:

NM_000138.5(FBN1):c.5825G>T (p.Cys1942Phe)

Gene: FBN1 (fibrillin 1; minus strand). Cytogenetic location: 15q21.1.
Variant type: single nucleotide variant.
Coding change: c.5825G>T on transcript NM_000138.5 (MANE Select); coding-DNA position 5825, G replaced by T.
Protein change: p.Cys1942Phe; replaces cysteine 1942 with phenylalanine.
Molecular consequence: missense variant.
Genome position (GRCh38, 1-based): chr15:48,445,468, C>A on the plus strand (G>T on the coding strand, the complement: FBN1 is on the minus strand). VCF-style: chr15-48445468-C-A. GRCh37 (hg19) VCF-style: chr15-48737665-C-A.
Other names: p.C1942F:TGC>TTC; short protein forms C1942F.
Identifiers: ClinVar variation 200070 (VCV000200070.2), dbSNP rs794728241, ClinGen allele CA016098.
Genomic context (GRCh38, chr15:48,445,468, plus strand): 5'-TAGCCTTCATTGCACTGGCACTGGAAAGACCCCACTGTATTAATGCATTGGCCATTTCTG[C>A]AAAGATTCCCATTTCCACTTGCACATTCATCAACATCTGCAGAAAAATCCCCAACAATCC-3'
Protein context (NP_000129.3, residues 1932-1952): DECASGNGNL[Cys1942Phe]RNGQCINTVG

ClinVar aggregate classification (germline): Likely pathogenic (1 of 4 stars; one submission).

Submission:

GeneDx
Classification: Likely pathogenic. Last evaluated: 2014-07-09. Review status: criteria provided, single submitter. Criteria: GeneDx Variant Classification (06012015). Collection method: clinical testing. Allele origin: germline. Affected: yes.
Comment: p.Cys1942Phe (TGC>TTC): c.5825 G>T in exon 48 of the FBN1 gene (NM_000138.4)The C1942F variant was not observed in approximately 6,500 individuals of European and African American ancestry in the NHLBI Exome Sequencing Project, indicating it is not a common benign variant in these populations. Mutations in nearby residues (E1933V, C1934S, C1934G) have been reported in association with Marfan syndrome, further supporting the functional importance of this residue and this region of the protein. The C1942F variant, which occurs in calcium-binding EGF-like domain 33, is a non-conservative amino acid substitution and is therefore likely to impact protein structure as these residues differ in polarity, charge, size and/or other properties. Substitutions of Cysteine residues in the calcium-binding EGF-like domains of FBN1 are often associated with Marfan syndrome. Cysteine 1942 is conserved across species. Finally, in silico analysis predicts C1942F is damaging to protein structure/function. In summary, C1942F in the FBN1 gene is a strong candidate for a pathogenic mutation, however the possibility that it is a benign variant cannot be excluded.The variant is found in TAAD panel(s).